The following is an entry in ClinVar:

ClinVar aggregate classification (germline): Uncertain significance (1 of 4 stars; one submission).

Conditions:
Cardiomyopathy, dilated, 2G. Identifiers: MedGen C5676995, MONDO:0030887, OMIM 619897.

Submission:

Center for Genomics, Ann and Robert H. Lurie Children's Hospital of Chicago
Classification: Uncertain significance for Cardiomyopathy, dilated, 2G. Last evaluated: 2021-03-30. Review status: criteria provided, single submitter. Criteria: ACMG Guidelines, 2015. Collection method: clinical testing. Allele origin: germline.
Comment: LMOD2 NM_207163.2 exon 2 p.Thr118_Glu119insGly (c.355_356insGAG): This variant has not been reported in the literature, and data from large control databases is insufficient for this variant. Evolutionary conservation and computational predictive tools for this variant are limited or unavailable. This variant represents an in-frame insertion of one Glycine amino acid within a string of 6 Glutamate amino acids and is not predicted to alter the reading frame. However, the effect of this variant on the protein is unclear. In summary, data on this variant is insufficient for disease classification. Therefore, the clinical significance of this variant is uncertain.

NM_207163.3(LMOD2):c.355_356insGAG (p.Thr118_Glu119insGly)

Gene: LMOD2 (leiomodin 2; plus strand). Cytogenetic location: 7q31.32.
Variant type: Insertion.
Coding change: c.355_356insGAG on transcript NM_207163.3 (MANE Select); coding-DNA positions 355 to 356, GAG inserted.
Protein change: p.Thr118_Glu119insGly.
Molecular consequence: inframe insertion.
Genome position: GRCh38 VCF-style: chr7-123661939-C-CAGG. GRCh37 (hg19) VCF-style: chr7-123301993-C-CAGG.
Identifiers: ClinVar variation 2500055 (VCV002500055.1), dbSNP rs2536069705, ClinGen allele CA2580076409.